The following is an entry in ClinVar:

ClinVar aggregate classification (germline): Uncertain significance (1 of 4 stars; one submission).

Allele frequency attached by ClinVar (database versions not stated): gnomAD exomes below 0.00001; gnomAD 0.00001; TOPMed 0.00001.
gnomAD v4.1: 3 of 1,614,002 alleles (0.00019%); highest among the groups gnomAD compares: Non-Finnish European, 0.00025%; no homozygotes.

Submission:

Labcorp Genetics (formerly Invitae), Labcorp
Classification: Uncertain significance. Last evaluated: 2024-11-05. Review status: criteria provided, single submitter. Criteria: Invitae Variant Classification Sherloc (09022015). Collection method: clinical testing. Allele origin: germline.
Comment: This sequence change replaces serine, which is neutral and polar, with threonine, which is neutral and polar, at codon 595 of the ADAM9 protein (p.Ser595Thr). This variant is present in population databases (no rsID available, gnomAD 0.0009%). This variant has not been reported in the literature in individuals affected with ADAM9-related conditions. ClinVar contains an entry for this variant (Variation ID: 937856). Invitae Evidence Modeling of protein sequence and biophysical properties (such as structural, functional, and spatial information, amino acid conservation, physicochemical variation, residue mobility, and thermodynamic stability) indicates that this missense variant is not expected to disrupt ADAM9 protein function with a negative predictive value of 80%. In summary, the available evidence is currently insufficient to determine the role of this variant in disease. Therefore, it has been classified as a Variant of Uncertain Significance.

NM_003816.3(ADAM9):c.1784G>C (p.Ser595Thr)

Gene: ADAM9 (ADAM metallopeptidase domain 9; plus strand). Cytogenetic location: 8p11.22.
Variant type: single nucleotide variant.
Coding change: c.1784G>C on transcript NM_003816.3 (MANE Select); coding-DNA position 1784, G replaced by C.
Protein change: p.Ser595Thr; replaces serine 595 with threonine.
Molecular consequence: missense variant. On other transcripts: non-coding transcript variant (3).
Genome position (GRCh38, 1-based): chr8:39,077,314, G>C. VCF-style: chr8-39077314-G-C. GRCh37 (hg19) VCF-style: chr8-38934833-G-C.
Other names: short protein forms S595T.
Identifiers: ClinVar variation 937856 (VCV000937856.6), dbSNP rs1383530367, ClinGen allele CA370746581.